The following is an entry in ClinVar:

ClinVar aggregate classification (germline): Conflicting classifications of pathogenicity. Review status: criteria provided, conflicting classifications (1 of 4 stars). 2 submissions from 2 submitters: Likely pathogenic (1); Uncertain significance (1). Last evaluated 2025-06-27.

Conditions:
Congenital microcephaly - severe encephalopathy - progressive cerebral atrophy syndrome. Also called: ASNS DEFICIENCY; Asparagine synthetase deficiency. Identifiers: Orphanet 391376, MedGen C3809971, MONDO:0014258, OMIM 615574.

Allele frequency attached by ClinVar (database versions not stated): gnomAD exomes below 0.00001; TOPMed below 0.00001; ExAC 0.00001.

Submissions (2):

Labcorp Genetics (formerly Invitae), Labcorp
Classification: Uncertain significance. Last evaluated: 2025-06-27. Review status: criteria provided, single submitter. Criteria: Invitae Variant Classification Sherloc (09022015). Collection method: clinical testing. Allele origin: germline.
Comment: This sequence change replaces aspartic acid, which is acidic and polar, with asparagine, which is neutral and polar, at codon 295 of the ASNS protein (p.Asp295Asn). This variant is present in population databases (rs781581679, gnomAD 0.0009%). This missense change has been observed in individual(s) with clinical features of ASNS-related conditions (internal data). ClinVar contains an entry for this variant (Variation ID: 802340). Invitae Evidence Modeling of protein sequence and biophysical properties (such as structural, functional, and spatial information, amino acid conservation, physicochemical variation, residue mobility, and thermodynamic stability) indicates that this missense variant is expected to disrupt ASNS protein function with a positive predictive value of 80%. In summary, the available evidence is currently insufficient to determine the role of this variant in disease. Therefore, it has been classified as a Variant of Uncertain Significance.

Mendelics
Classification: Likely pathogenic for Congenital microcephaly - severe encephalopathy - progressive cerebral atrophy syndrome. Last evaluated: 2019-05-28. Review status: criteria provided, single submitter. Criteria: Mendelics Assertion Criteria 2017. Collection method: clinical testing. Allele origin: unknown.

NM_001673.5(ASNS):c.883G>A (p.Asp295Asn)

Genes: ASNS (asparagine synthetase (glutamine-hydrolyzing); minus strand), CZ1P-ASNS (CZ1P-ASNS readthrough; minus strand). Cytogenetic location: 7q21.3.
Variant type: single nucleotide variant.
Coding change: c.883G>A on transcript NM_001673.5 (MANE Select); coding-DNA position 883, G replaced by A.
Protein change: p.Asp295Asn; replaces aspartic acid 295 with asparagine.
Molecular consequence: missense variant. On other transcripts: non-coding transcript variant (1).
Genome position (GRCh38, 1-based): chr7:97,858,298, C>T on the plus strand (G>A on the coding strand, the complement: ASNS is on the minus strand). VCF-style: chr7-97858298-C-T. GRCh37 (hg19) VCF-style: chr7-97487610-C-T.
Other names: c.820G>A, p.Asp274Asn (NM_001178075.2); c.634G>A, p.Asp212Asn (NM_001178076.2, NM_001178077.1); c.883G>A, p.Asp295Asn (NM_001352496.2, NM_133436.3, NM_183356.4); short protein forms D274N, D212N, D295N.
Identifiers: ClinVar variation 802340 (VCV000802340.5), dbSNP rs781581679, ClinGen allele CA4354659.